The following is an entry in ClinVar:

NM_006270.5(RRAS):c.509A>G (p.Glu170Gly)

Gene: RRAS (RAS related; minus strand). Cytogenetic location: 19q13.33.
Variant type: single nucleotide variant.
Coding change: c.509A>G on transcript NM_006270.5 (MANE Select); coding-DNA position 509, A replaced by G.
Protein change: p.Glu170Gly; replaces glutamic acid 170 with glycine.
Molecular consequence: missense variant.
Genome position (GRCh38, 1-based): chr19:49,635,797, T>C on the plus strand (A>G on the coding strand, the complement: RRAS is on the minus strand). VCF-style: chr19-49635797-T-C. GRCh37 (hg19) VCF-style: chr19-50139054-T-C.
Other names: short protein forms E170G.
Identifiers: ClinVar variation 1006512 (VCV001006512.8), dbSNP rs1162824119, ClinGen allele CA406845795.

ClinVar aggregate classification (germline): Uncertain significance (1 of 4 stars; one submission).

Conditions:
Noonan syndrome (NS). Also called: Noonan's syndrome. Identifiers: Orphanet 648, MedGen C0028326, MeSH D009634, MONDO:0018997. Disease mechanism: gain of function.

Allele frequency attached by ClinVar (database versions not stated): gnomAD exomes below 0.00001 and 0.00001; gnomAD 0.00001; TOPMed 0.00002.
gnomAD v4.1: 19 of 1,494,628 alleles (0.0013%); highest among the groups gnomAD compares: Non-Finnish European, 0.0016%; no homozygotes.

Submission:

Labcorp Genetics (formerly Invitae), Labcorp
Classification: Uncertain significance for Noonan syndrome. Last evaluated: 2022-06-29. Review status: criteria provided, single submitter. Criteria: Invitae Variant Classification Sherloc (09022015). Collection method: clinical testing. Allele origin: germline.
Comment: In summary, the available evidence is currently insufficient to determine the role of this variant in disease. Therefore, it has been classified as a Variant of Uncertain Significance. Algorithms developed to predict the effect of missense changes on protein structure and function are either unavailable or do not agree on the potential impact of this missense change (SIFT: "Deleterious"; PolyPhen-2: "Benign"; Align-GVGD: "Class C65"). ClinVar contains an entry for this variant (Variation ID: 1006512). This variant has not been reported in the literature in individuals affected with RRAS-related conditions. This variant is present in population databases (no rsID available, gnomAD 0.0009%). This sequence change replaces glutamic acid, which is acidic and polar, with glycine, which is neutral and non-polar, at codon 170 of the RRAS protein (p.Glu170Gly).